The following is an entry in ClinVar:

NM_031475.3(ESPN):c.1870G>A (p.Ala624Thr)

Gene: ESPN (espin; plus strand). Cytogenetic location: 1p36.31.
Variant type: single nucleotide variant.
Coding change: c.1870G>A on transcript NM_031475.3 (MANE Select); coding-DNA position 1870, G replaced by A.
Protein change: p.Ala624Thr; replaces alanine 624 with threonine.
Molecular consequence: missense variant.
Genome position (GRCh38, 1-based): chr1:6,449,046, G>A. VCF-style: chr1-6449046-G-A. GRCh37 (hg19) VCF-style: chr1-6509106-G-A.
Other names: p.Ala624Thr; c.1780G>A, p.Ala594Thr (NM_001367473.1, NM_001367474.1); short protein forms A594T, A624T.
Identifiers: ClinVar variation 1342840 (VCV001342840.4), dbSNP rs758680191, ClinGen allele CA560296.
Genomic context (GRCh38, chr1:6,449,046, plus strand): 5'-CCGCCCCTGCCGGAGGCCGCGAGTTCGCCACCGCCGGCCCCGCCTCTGCCCCTCGAGAGC[G>A]CTGGCCCTGGCTGCGGGCAGCGCCGCTCCTCCTCGTCCACCGGCAGTGAGTAGGGGCAGG-3'
Protein context (NP_113663.2, residues 614-634): PPAPPLPLES[Ala624Thr]GPGCGQRRSS

ClinVar aggregate classification (germline): Uncertain significance. Review status: criteria provided, multiple submitters, no conflicts (2 of 4 stars). 2 submissions from 2 submitters: Uncertain significance (2). Last evaluated 2022-06-27.

Conditions:
Autosomal recessive nonsyndromic hearing loss 36. Also called: DEAFNESS, AUTOSOMAL RECESSIVE 36, WITH VESTIBULAR INVOLVEMENT; Deafness, autosomal recessive 36. Identifiers: Orphanet 90636, MedGen C1837007, MONDO:0012170, OMIM 609006.

Allele frequency attached by ClinVar (database versions not stated): gnomAD 0.00002; TOPMed 0.00005; ExAC 0.00010.
gnomAD v4.1: 19 of 1,483,744 alleles (0.0013%); highest among the groups gnomAD compares: Admixed American, 0.0045%; no homozygotes.

Submissions (2):

Blueprint Genetics
Classification: Uncertain significance. Last evaluated: 2022-06-27. Review status: criteria provided, single submitter. Criteria: ACMG Guidelines, 2015. Collection method: clinical testing. Allele origin: germline.

Foundation for Research in Genetics and Endocrinology, FRIGE's Institute of Human Genetics
Classification: Uncertain significance for Autosomal recessive nonsyndromic hearing loss 36. Last evaluated: 2021-09-27. Review status: criteria provided, single submitter. Criteria: ACMG Guidelines, 2015. Collection method: clinical testing. Allele origin: germline. Inheritance: Autosomal recessive inheritance. Affected: yes. Observed: 1 heterozygote.
Comment: A heterozygous missense variation in exon 8 of the ESPN gene that results in the amino acid substitution of Threonine for Alanine at codon 624 was detected. The observed variant c.1870G>A (p.Ala624Thr) has not been reported in the 1000 genomes and has a minor allele frequency of 0.002% in the gnomAD database respectively. The in silico prediction of the variant is benign by PolyPhen-2, SIFT and LRT and MutationTaster2. The reference codon is conserved across mammals. In summary, the variant meets our criteria to be classified as a variant of uncertain significance.